The following is an entry in ClinVar:

NC_000009.11:g.(?_113431185)_(113459766_?)dup

Gene: MUSK (muscle associated receptor tyrosine kinase; plus strand). Cytogenetic location: 9q31.3.
Variant type: Duplication.
Identifiers: ClinVar variation 2425381 (VCV002425381.6).

ClinVar aggregate classification (germline): Uncertain significance (1 of 4 stars; one submission).

Conditions:
Congenital myasthenic syndrome 9. Also called: Myasthenic syndrome, congenital, 9, associated with acetylcholine receptor deficiency. Identifiers: Orphanet 590, MedGen C4225368, MONDO:0014587, OMIM 616325.
Fetal akinesia deformation sequence 1 (FADS1). Also called: Pena-Shokeir syndrome type I; Fetal akinesia sequence. Identifiers: Orphanet 994, MedGen C1276035, MONDO:0100101, OMIM 208150, HP:0001989.

Submission:

Labcorp Genetics (formerly Invitae), Labcorp
Classification: Uncertain significance for Congenital myasthenic syndrome 9; Fetal akinesia deformation sequence 1. Last evaluated: 2021-11-02. Review status: criteria provided, single submitter. Criteria: Invitae Variant Classification Sherloc (09022015). Collection method: clinical testing. Allele origin: germline.
Comment: This variant results in a copy number gain of the genomic region encompassing exon(s) 1-5 of the MUSK gene. This region includes the initiator codon of the gene. This copy number gain extends beyond the assayed region for this gene and therefore may encompass additional genes. As the precise location of this event is unknown, it may be in tandem or it may be located elsewhere in the genome. This variant has not been reported in the literature in individuals affected with MUSK-related conditions. In summary, the available evidence is currently insufficient to determine the role of this variant in disease. Therefore, it has been classified as a Variant of Uncertain Significance.